The following is an entry in ClinVar:

NM_001282531.3(ADNP):c.330dup (p.Tyr111fs)

Gene: ADNP (activity dependent neuroprotector homeobox; minus strand). Cytogenetic location: 20q13.13.
Variant type: Duplication.
Coding change: c.330dup on transcript NM_001282531.3 (MANE Select); coding-DNA position 330, one base duplicated (C; older notation c.330dupC).
Protein change: p.Tyr111fs; shifts the reading frame from tyrosine 111.
Molecular consequence: frameshift variant.
Genome position (GRCh38, 1-based): chr20:50,894,384, G duplicated on the plus strand (C on the coding strand, the reverse complement: ADNP is on the minus strand); the first of 4 consecutive G bases (chr20:50,894,384-50,894,387); duplicating any one gives the same sequence. VCF-style (leftmost placement, unchanged base first): chr20-50894383-A-AG. GRCh37 (hg19) VCF-style: chr20-49510920-A-AG.
Other names: c.330dup, p.Tyr111fs (NM_001282532.2, NM_001347511.2, NM_015339.5 and 1 more transcripts); short protein forms Y111fs.
Identifiers: ClinVar variation 280876 (VCV000280876.2), dbSNP rs886042003, ClinGen allele CA10603674.
Genomic context (GRCh38, chr20:50,894,383, plus strand): 5'-GAGCATGAAATATTTTAATGTGTGTTTCCAAAGTCTTTTTGTCTGCATTGAAGGTACAGT[A>AG]GGGGCAATTAAGGAGAATCCTATTTTCAAAGTCTTCACTATGGACATTGCGGAAATGACT-3'

ClinVar aggregate classification (germline): Pathogenic (1 of 4 stars; one submission).

Submission:

GeneDx
Classification: Pathogenic. Last evaluated: 2016-09-16. Review status: criteria provided, single submitter. Criteria: GeneDx Variant Classification (06012015). Collection method: clinical testing. Allele origin: germline. Affected: yes.
Comment: The de novo c.330dupC variant in the ADNP gene has not been reported previously as a pathogenic variant nor as a benign variant, to our knowledge. The c.330dupC variant causes a frameshift starting with codon Tyrosine 111, changes this amino acid to a Leucine residue, and creates a premature Stop codon at position 16 of the new reading frame, denoted p.Tyr111LeufsX16. This variant is predicted to cause loss of normal protein function through protein truncation. The c.330dupC variant was not observed in approximately 6500 individuals of European and African American ancestry in the NHLBI Exome Sequencing Project, indicating it is not a common benign variant in these populations. Therefore, we interpret c.330dupC as a pathogenic variant.